The following continues an entry in ClinVar:

NM_007194.4(CHEK2):c.1100del (p.Thr367fs)

Gene: CHEK2. ClinVar aggregate classification (germline): Pathogenic. Pathogenic (76).

Submissions 89 to 99 of 99:

OMIM
Classification: Pathogenic for TUMOR PREDISPOSITION SYNDROME 4, BREAST/PROSTATE/COLORECTAL. Last evaluated: 2006-11-01. Review status: no assertion criteria provided. Collection method: literature only. Allele origin: germline. Not counted in ClinVar's aggregate classification.

Clinical Genetics DNA and cytogenetics Diagnostics Lab, Erasmus MC, Erasmus Medical Center
Classification: Pathogenic. Review status: no assertion criteria provided. Collection method: clinical testing. Allele origin: germline. Affected: yes. Study: VKGL Data-share Consensus. Not counted in ClinVar's aggregate classification.

Clinical Genetics Laboratory, Department of Pathology, Netherlands Cancer Institute
Classification: Pathogenic. Review status: no assertion criteria provided. Collection method: clinical testing. Allele origin: germline. Affected: yes. Study: VKGL Data-share Consensus. Not counted in ClinVar's aggregate classification.

Department of Pathology and Laboratory Medicine, Sinai Health System
Classification: Pathogenic for Malignant tumor of breast. Review status: no assertion criteria provided. Collection method: clinical testing. Allele origin: unknown. Affected: yes. Study: The Canadian Open Genetics Repository (COGR). Not counted in ClinVar's aggregate classification.
Comment: The CHEK2 p.Thr367Metfs*15 variant was identified in 1290 of 102960 proband chromosomes (frequency: 0.013) from individuals or families with breast, prostate, and colorectal cancer and was present in 1222 of 292928 control chromosomes (frequency: 0.004) from healthy individuals (Adank 2011, Cybulski 2004, Cybulski 2006, Dong 2003, Easton 2004, Ruijs 2009, Silva 2014, Weischer 2008, Xiang 2011, Yang 2012). The variant was also identified in the following databases: dbSNP (ID: rs555607708) as "With Pathogenic allele", ClinVar (12x, pathogenic), Clinvitae (6x, pathogenic), Cosmic (1x, salivary gland tumour sample), and the Zhejiang Colon Cancer Database (48x). The variant was not identified in the MutDB database. The variant was identified in control databases in 585 of 275092 chromosomes at a frequency of 0.002 (Genome Aggregation Consortium Feb 27, 2017). Of note, it was identified in the Finnish population in 221 of 25794 chromosomes (freq. 0.009) and in the European population in 319 of 125272 chromosomes (freq. 0.003). The c.1100delC variant is an established breast cancer susceptibility allele and is associated with a two- to three-fold increased risk for breast cancer at a median age of 53 years (Naslund-Koch 2016). This variant is also associated with an increased risk of additional cancer types, including prostate, colon, and others (Cybulski 2004, Xiang 2011). Functional studies involving wild-type and mutant CHEK2 proteins expressed in insect cells showed that the p.Thr367Metfs*15 protein lacks kinase activity, supportive of a pathogenic effect (Wu 2001). The c.1100delC variant is predicted to cause a frameshift, which alters the protein's amino acid sequence beginning at codon 367 and leads to a premature stop codon 15 codons downstream. This alteration is then predicted to result in a truncated or absent protein and loss of function. Loss of function variants of the CHEK2 gene are an established mechanism of disease and is the type of variant expected to cause the disorder. In summary, based on the above information this variant meets our laboratoryâ€šÃ„Ã´s criteria to be classified as pathogenic.

Diagnostic Laboratory, Department of Genetics, University Medical Center Groningen
Classification: Pathogenic. Review status: no assertion criteria provided. Collection method: clinical testing. Allele origin: germline. Affected: yes. Study: VKGL Data-share Consensus. Not counted in ClinVar's aggregate classification.

Genome Diagnostics Laboratory, Amsterdam University Medical Center
Classification: Pathogenic. Review status: no assertion criteria provided. Collection method: clinical testing. Allele origin: germline. Affected: yes. Study: VKGL Data-share Consensus. Not counted in ClinVar's aggregate classification.

Genome Diagnostics Laboratory, University Medical Center Utrecht
Classification: Pathogenic. Review status: no assertion criteria provided. Collection method: clinical testing. Allele origin: germline. Affected: yes. Study: VKGL Data-share Consensus. Not counted in ClinVar's aggregate classification.

Genome Sciences Centre, British Columbia Cancer Agency
Classification: Pathogenic for Leiomyosarcoma; Breast neoplasm. Review status: no assertion criteria provided. Collection method: clinical testing. Allele origin: germline. Inheritance: Autosomal dominant inheritance. Affected: yes. Observed: 1 variant allele, 1 heterozygote. Not counted in ClinVar's aggregate classification.
Comment: Whole genome sequencing (blood and tumor) and whole transcriptome sequencing (tumor) also revealed the germline CHEK2:c.1100delC pathogenic variant, which is considered a moderate penetrance allele for breast cancer.

Joint Genome Diagnostic Labs from Nijmegen and Maastricht, Radboudumc and MUMC+
Classification: Pathogenic. Review status: no assertion criteria provided. Collection method: clinical testing. Allele origin: germline. Affected: yes. Study: VKGL Data-share Consensus. Not counted in ClinVar's aggregate classification.

Laboratory of Diagnostic Genome Analysis, Leiden University Medical Center (LUMC)
Classification: Pathogenic. Review status: no assertion criteria provided. Collection method: clinical testing. Allele origin: germline. Affected: yes. Study: VKGL Data-share Consensus. Not counted in ClinVar's aggregate classification.

Laboratory of Molecular Neuropathology, The University of Texas Health Science Center at Houston
Classification: Uncertain significance for Astrocytoma. Review status: flagged submission. Criteria: ACMG Guidelines, 2015. Collection method: clinical testing. Allele origin: somatic. Affected: yes. Not counted in ClinVar's aggregate classification.
ClinVar note: Reason: Outlier claim with insufficient supporting evidence

Literature cited by the submitters: PubMed 17174984 (cited by Hema, HEMA – Genetic and Molecular Diagnostic Laboratory); PubMed 19061508 (cited by Hema, HEMA – Genetic and Molecular Diagnostic Laboratory); PubMed 11053450 (cited by Hema, HEMA – Genetic and Molecular Diagnostic Laboratory and Ambry Genetics); PubMed 29909568 (cited by Hema, HEMA – Genetic and Molecular Diagnostic Laboratory and Sema4); PubMed 18172190 (cited by 8 submitters); PubMed 27269948 (cited by 4 submitters); PubMed 30128536 (cited by Hema, HEMA – Genetic and Molecular Diagnostic Laboratory); PubMed 33471991 (cited by Hema, HEMA – Genetic and Molecular Diagnostic Laboratory and Quest Diagnostics Nichols Institute San Juan Capistrano); PubMed 21876083 (cited by Labcorp Genetics (formerly Invitae), Labcorp); PubMed 24713400 (cited by Labcorp Genetics (formerly Invitae), Labcorp); PubMed 11967536 (cited by 7 submitters); PubMed 14648717 (cited by Labcorp Genetics (formerly Invitae), Labcorp); PubMed 14648718 (cited by Labcorp Genetics (formerly Invitae), Labcorp); PubMed 14648719 (cited by Labcorp Genetics (formerly Invitae), Labcorp); PubMed 15488637 (cited by Labcorp Genetics (formerly Invitae), Labcorp); PubMed 123456 (cited by Variantyx, Inc.); PubMed 1234564 (cited by Variantyx, Inc.); PubMed 19805189 (cited by Variantyx, Inc. and Laboratory for Molecular Medicine, Mass General Brigham Personalized Medicine); PubMed 35674998 (cited by Variantyx, Inc.); PubMed 15492928 (cited by 3 submitters); PubMed 30113427 (cited by Center for Genomic Medicine, Rigshospitalet, Copenhagen University Hospital); PubMed 37449874 (cited by Center for Genomic Medicine, Rigshospitalet, Copenhagen University Hospital); PubMed 11719428 (cited by 7 submitters); PubMed 15122511 (cited by 7 submitters); PubMed 21956126 (cited by 7 submitters); PubMed 23109706 (cited by 3 submitters); PubMed 23946381 (cited by Rady Children's Institute for Genomic Medicine, Rady Children's Hospital San Diego and Sema4); PubMed 26014596 (cited by Rady Children's Institute for Genomic Medicine, Rady Children's Hospital San Diego); PubMed 26629066 (cited by Rady Children's Institute for Genomic Medicine, Rady Children's Hospital San Diego); PubMed 26884562 (cited by 3 submitters); PubMed 21807500 (cited by 6 submitters); PubMed 22994785 (cited by 3 submitters); PubMed 28135145 (cited by 3 submitters); PubMed 28734145 (cited by 3 submitters); PubMed 10617473 (cited by 8 submitters); PubMed 22058428 (cited by Ambry Genetics and Counsyl); PubMed 22811390 (cited by Ambry Genetics and Illumina Laboratory Services, Illumina); PubMed 23652375 (cited by Ambry Genetics); PubMed 26084796 (cited by Ambry Genetics); PubMed 26641009 (cited by Ambry Genetics); PubMed 26681312 (cited by Ambry Genetics); PubMed 26822237 (cited by Ambry Genetics); PubMed 27083775 (cited by Ambry Genetics); PubMed 27153395 (cited by Ambry Genetics); PubMed 27433846 (cited by Ambry Genetics and Quest Diagnostics Nichols Institute San Juan Capistrano); PubMed 27751358 (cited by Ambry Genetics and Quest Diagnostics Nichols Institute San Juan Capistrano); PubMed 27798748 (cited by Ambry Genetics and Quest Diagnostics Nichols Institute San Juan Capistrano); PubMed 28125075 (cited by Ambry Genetics); PubMed 28195393 (cited by Ambry Genetics and Quest Diagnostics Nichols Institute San Juan Capistrano); PubMed 28503720 (cited by Ambry Genetics and Quest Diagnostics Nichols Institute San Juan Capistrano); PubMed 28727877 (cited by 3 submitters); PubMed 28802053 (cited by Ambry Genetics and Quest Diagnostics Nichols Institute San Juan Capistrano).